The following is an entry in ClinVar:

NC_000002.11:g.(?_11943013)_(11943179_?)del

Gene: LPIN1 (lipin 1; plus strand). Cytogenetic location: 2p25.1.
Variant type: Deletion.
Identifiers: ClinVar variation 3247590 (VCV003247590.1).

ClinVar aggregate classification (germline): Pathogenic (1 of 4 stars; one submission).

Submission:

Labcorp Genetics (formerly Invitae), Labcorp
Classification: Pathogenic. Last evaluated: 2023-08-11. Review status: criteria provided, single submitter. Criteria: Invitae Variant Classification Sherloc (09022015). Collection method: clinical testing. Allele origin: unknown.
Comment: For these reasons, this variant has been classified as Pathogenic. This variant has not been reported in the literature in individuals affected with LPIN1-related conditions. This variant is a gross deletion of the genomic region encompassing exon(s) 14 of the LPIN1 gene. This deletion is out-of-frame, and is expected to create a premature termination codon and result in an absent or disrupted protein product. Loss-of-function variants in LPIN1 are known to be pathogenic (PMID: 18817903, 20583302, 22481384, 26111941).

Literature cited by the submitters: PubMed 18817903; PubMed 20583302; PubMed 22481384; PubMed 26111941.